The following is an entry in ClinVar:

ClinVar aggregate classification (germline): Pathogenic (1 of 4 stars; one submission).

Submission:

Labcorp Genetics (formerly Invitae), Labcorp
Classification: Pathogenic. Last evaluated: 2023-08-17. Review status: criteria provided, single submitter. Criteria: Invitae Variant Classification Sherloc (09022015). Collection method: clinical testing. Allele origin: germline.
Comment: This sequence change replaces glutamic acid, which is acidic and polar, with glutamine, which is neutral and polar, at codon 306 of the BEST1 protein (p.Glu306Gln). This variant is not present in population databases (gnomAD no frequency). This missense change has been observed in individuals with clinical features of autosomal dominant Best vitelliform macular dystrophy (Invitae). ClinVar contains an entry for this variant (Variation ID: 1482656). Advanced modeling of protein sequence and biophysical properties (such as structural, functional, and spatial information, amino acid conservation, physicochemical variation, residue mobility, and thermodynamic stability) performed at Invitae indicates that this missense variant is expected to disrupt BEST1 protein function. Studies have shown that this missense change alters BEST1 gene expression (PMID: 19029375). This variant disrupts the p.Glu306 amino acid residue in BEST1. Other variant(s) that disrupt this residue have been determined to be pathogenic (PMID: 10798642, 26201355; Invitae). This suggests that this residue is clinically significant, and that variants that disrupt this residue are likely to be disease-causing. For these reasons, this variant has been classified as Pathogenic.

Literature cited by the submitters: PubMed 19029375; PubMed 10798642; PubMed 26201355.

NM_004183.4(BEST1):c.916G>C (p.Glu306Gln)

Gene: BEST1 (bestrophin 1; plus strand). Cytogenetic location: 11q12.3.
Variant type: single nucleotide variant.
Coding change: c.916G>C on transcript NM_004183.4 (MANE Select); coding-DNA position 916, G replaced by C.
Protein change: p.Glu306Gln; replaces glutamic acid 306 with glutamine.
Molecular consequence: missense variant. On other transcripts: non-coding transcript variant (1), intron variant (1).
Genome position (GRCh38, 1-based): chr11:61,959,546, G>C. VCF-style: chr11-61959546-G-C. GRCh37 (hg19) VCF-style: chr11-61727018-G-C.
Other names: c.736G>C, p.Glu246Gln (NM_001139443.3, NM_001300787.2); c.598G>C, p.Glu200Gln (NM_001363591.3); c.1119G>C, p.Leu373Phe (NM_001363592.2); c.-57G>C (NM_001363593.3); c.688-346G>C (NM_001300786.2); short protein forms E200Q, E246Q, E306Q, L373F.
Identifiers: ClinVar variation 1482656 (VCV001482656.8), dbSNP rs2134453498, ClinGen allele CA380843968.